The following is an entry in ClinVar:

ClinVar aggregate classification (germline): Benign. Review status: criteria provided, multiple submitters, no conflicts (2 of 4 stars). 5 submissions from 5 submitters: Benign (4). 1 of the submissions does not count toward it. Last evaluated 2026-02-03.

Conditions:
CDKN1B-related disorder. Also called: CDKN1B-related condition.
Hereditary cancer-predisposing syndrome. Also called: Neoplastic Syndromes, Hereditary; Tumor predisposition; Hereditary neoplastic syndrome; Hereditary Cancer Syndrome. Identifiers: Orphanet 140162, MedGen C0027672, MeSH D009386, MONDO:0015356.
Multiple endocrine neoplasia type 4. Also called: MULTIPLE ENDOCRINE NEOPLASIA, TYPE IV. Identifiers: Orphanet 276152, MedGen C1970712, MONDO:0012552, OMIM 610755.

Allele frequency attached by ClinVar (database versions not stated): gnomAD 0.00006 and 0.00022; TOPMed 0.00006; 1000 Genomes Project 30x 0.00094; 1000 Genomes Project 0.00120.
gnomAD v4.1: 557 of 1,614,230 alleles (0.035%); highest among the groups gnomAD compares: East Asian, 1.2%; 8 homozygotes.

Submissions (5):

Labcorp Genetics (formerly Invitae), Labcorp
Classification: Benign for Multiple endocrine neoplasia type 4. Last evaluated: 2026-02-03. Review status: criteria provided, single submitter. Criteria: Invitae Variant Classification Sherloc (09022015). Collection method: clinical testing. Allele origin: germline.

Quest Diagnostics Nichols Institute San Juan Capistrano
Classification: Benign. Last evaluated: 2023-07-20. Review status: criteria provided, single submitter. Criteria: Quest Diagnostics criteria. Collection method: clinical testing. Allele origin: unknown.

Illumina Laboratory Services, Illumina
Classification: Benign for Multiple endocrine neoplasia type 4. Last evaluated: 2018-01-13. Review status: criteria provided, single submitter. Criteria: ICSL Variant Classification Criteria 13 December 2019. Collection method: clinical testing. Allele origin: germline.
Comment: This variant was observed in the ICSL laboratory as part of a predisposition screen in an ostensibly healthy population. It had not been previously curated by ICSL or reported in the Human Gene Mutation Database (HGMD: prior to June 1st, 2018), and was therefore a candidate for classification through an automated scoring system. Utilizing variant allele frequency, disease prevalence and penetrance estimates, and inheritance mode, an automated score was calculated to assess if this variant is too frequent to cause the disease. Based on the score and internal cut-off values, a variant classified as benign is not then subjected to further curation. The score for this variant resulted in a classification of benign for this disease.

Ambry Genetics
Classification: Benign for Hereditary cancer-predisposing syndrome. Last evaluated: 2017-02-06. Review status: criteria provided, single submitter. Criteria: Ambry Variant Classification Scheme 2023. Collection method: clinical testing. Allele origin: germline.

PreventionGenetics, part of Exact Sciences
Classification: Likely benign for CDKN1B-related condition. Last evaluated: 2024-07-30. Review status: no assertion criteria provided. Collection method: clinical testing. Allele origin: germline. Not counted in ClinVar's aggregate classification.
Comment: This variant is classified as likely benign based on ACMG/AMP sequence variant interpretation guidelines (Richards et al. 2015 PMID: 25741868, with internal and published modifications).

NM_004064.5(CDKN1B):c.258G>A (p.Glu86=)

Gene: CDKN1B (cyclin dependent kinase inhibitor 1B; plus strand). Cytogenetic location: 12p13.1.
Variant type: single nucleotide variant.
Coding change: c.258G>A on transcript NM_004064.5 (MANE Select); coding-DNA position 258, G replaced by A.
Protein change: p.Glu86=; no amino-acid change (glutamic acid 86 retained).
Molecular consequence: synonymous variant.
Genome position (GRCh38, 1-based): chr12:12,718,097, G>A. VCF-style: chr12-12718097-G-A. GRCh37 (hg19) VCF-style: chr12-12871031-G-A.
Identifiers: ClinVar variation 239618 (VCV000239618.21), dbSNP rs142940486, ClinGen allele CA6457427.